The following is an entry in ClinVar:

NM_000341.4(SLC3A1):c.242G>T (p.Arg81Leu)

Gene: SLC3A1 (solute carrier family 3 member 1; plus strand). Cytogenetic location: 2p21.
Variant type: single nucleotide variant.
Coding change: c.242G>T on transcript NM_000341.4 (MANE Select); coding-DNA position 242, G replaced by T.
Protein change: p.Arg81Leu; replaces arginine 81 with leucine.
Molecular consequence: missense variant.
Genome position (GRCh38, 1-based): chr2:44,275,777, G>T. VCF-style: chr2-44275777-G-T. GRCh37 (hg19) VCF-style: chr2-44502916-G-T.
Other names: R81L.
Identifiers: ClinVar variation 2582222 (VCV002582222.3), dbSNP rs201617723, ClinGen allele CA1640058.

ClinVar aggregate classification (germline): Conflicting classifications of pathogenicity. Review status: criteria provided, conflicting classifications (1 of 4 stars). 2 submissions from 2 submitters: Pathogenic (1); Uncertain significance (1). Last evaluated 2024-06-12.

Conditions:
Cystinuria (CSNU). Also called: Cystinuria, non-type I; CYSTINURIA, TYPE I; CYSTINURIA, TYPE II; CYSTINURIA, TYPE III. Identifiers: Orphanet 214, MedGen C0010691, MONDO:0009067, OMIM 220100, HP:0003131.

gnomAD v4.1: 11 of 1,614,112 alleles (0.00068%); highest among the groups gnomAD compares: East Asian, 0.018%; no homozygotes.

Submissions (2):

Fulgent Genetics
Classification: Uncertain significance for Cystinuria. Last evaluated: 2024-06-12. Review status: criteria provided, single submitter. Criteria: ACMG Guidelines, 2015. Collection method: clinical testing. Allele origin: germline.

Biotechnology Lab, University of Central Punjab
Classification: Pathogenic for Cystinuria. Last evaluated: 2023-02-10. Review status: criteria provided, single submitter. Criteria: ACMG Guidelines, 2015. Collection method: research. Allele origin: inherited. Inheritance: Autosomal recessive inheritance. Affected: yes. Observed: 68 variant alleles.
Comment: A molecular and computational study performed on the Pakistani population reported this missense variant (R81L) in the SLC3A1 gene, as a pathogenic variant, by using the technique of Next-generation sequencing. The variant was potentially involved in causing Cystinuria by altering the structural and functional effect of the rBAT protein coded by the SLC3A1 gene. The variant was confirmed by ARMS-PCR at the population level (Zafar & Awais, 2023).

Literature cited by the submitters: PubMed 37716586 (cited by Biotechnology Lab, University of Central Punjab).